The following is an entry in ClinVar:

NM_022042.4(SLC26A1):c.712C>T (p.Arg238Trp)

Genes: IDUA (alpha-L-iduronidase; plus strand), SLC26A1 (solute carrier family 26 member 1; minus strand). Cytogenetic location: 4p16.3.
Variant type: single nucleotide variant.
Coding change: c.712C>T on transcript NM_022042.4 (MANE Select); coding-DNA position 712, C replaced by T.
Protein change: p.Arg238Trp; replaces arginine 238 with tryptophan.
Molecular consequence: missense variant. On other transcripts: intron variant (2).
Genome position (GRCh38, 1-based): chr4:990,227, G>A on the plus strand (C>T on the coding strand, the complement: SLC26A1 is on the minus strand). VCF-style: chr4-990227-G-A. GRCh37 (hg19) VCF-style: chr4-984015-G-A.
Other names: c.712C>T, p.Arg238Trp (NM_213613.4); c.576+901C>T (NM_134425.4); c.299+2278G>A (NM_000203.5); short protein forms R238W.
Identifiers: ClinVar variation 1972873 (VCV001972873.5), dbSNP rs1309353202, ClinGen allele CA355955748.

ClinVar aggregate classification (germline): Uncertain significance (1 of 4 stars; one submission).

Allele frequency attached by ClinVar (database versions not stated): TOPMed below 0.00001; gnomAD 0.00001; gnomAD exomes 0.00001.
gnomAD v4.1: 23 of 1,571,682 alleles (0.0015%); highest among the groups gnomAD compares: South Asian, 0.007%; no homozygotes.

Submission:

Labcorp Genetics (formerly Invitae), Labcorp
Classification: Uncertain significance. Last evaluated: 2022-10-20. Review status: criteria provided, single submitter. Criteria: Invitae Variant Classification Sherloc (09022015). Collection method: clinical testing. Allele origin: germline.
Comment: In summary, the available evidence is currently insufficient to determine the role of this variant in disease. Therefore, it has been classified as a Variant of Uncertain Significance. Advanced modeling of protein sequence and biophysical properties (such as structural, functional, and spatial information, amino acid conservation, physicochemical variation, residue mobility, and thermodynamic stability) performed at Invitae indicates that this missense variant is expected to disrupt SLC26A1 protein function. This variant has not been reported in the literature in individuals affected with SLC26A1-related conditions. This variant is present in population databases (no rsID available, gnomAD 0.008%). This sequence change replaces arginine, which is basic and polar, with tryptophan, which is neutral and slightly polar, at codon 238 of the SLC26A1 protein (p.Arg238Trp).